The following is an entry in ClinVar:

GRCh37/hg19 15q11.2(chr15:22760000-23100000)x1

Genes: CYFIP1 (cytoplasmic FMR1 interacting protein 1; minus strand), NIPA1 (NIPA magnesium transporter 1; plus strand), NIPA2 (NIPA magnesium transporter 2; plus strand), TUBGCP5 (tubulin gamma complex component 5; minus strand). Cytogenetic location: 15q11.2.
Variant type: copy number loss.
Change: copy number 1 (one copy instead of two) of chr15:22,760,000-23,100,000 (340.0 kb, GRCh37 coordinates, 1-based), cytogenetic band 15q11.2.
Identifiers: ClinVar variation 3770228 (VCV003770228.1).

ClinVar aggregate classification (germline): Pathogenic (1 of 4 stars; one submission).

Submission:

Department of Neurology, Zibo Changguo Hospital
Classification: Pathogenic. Last evaluated: 2025-01-11. Review status: criteria provided, single submitter. Criteria: ACMG/ClinGen CNV Guidelines, 2019. Collection method: clinical testing. Allele origin: unknown.
Comment: The interstitial 15q11.2 BP1-BP2 deletion identified contains 4 OMIM associated genes (NIPA1, NIPA2, CYFIP1, and TUBGCP5). Deletions in this region are associated with 15q11.2 deletion syndrome [OMIM: 615656]. The 15q11.2 BP1-BP2 microdeletion is associated with both phenotypic variability as well as reduced penetrance, and while it is enriched in patient populations (PMID:25689425, 28387067), it is also often inherited from asymptomatic parents (PMID:21841781, 23258348, 25689425).